The following is an entry in ClinVar:

NM_001211.6(BUB1B):c.1360A>G (p.Lys454Glu)

Gene: BUB1B (BUB1 mitotic checkpoint serine/threonine kinase B; plus strand). Cytogenetic location: 15q15.1.
Variant type: single nucleotide variant.
Coding change: c.1360A>G on transcript NM_001211.6 (MANE Select); coding-DNA position 1360, A replaced by G.
Protein change: p.Lys454Glu; replaces lysine 454 with glutamic acid.
Molecular consequence: missense variant.
Genome position (GRCh38, 1-based): chr15:40,199,686, A>G. VCF-style: chr15-40199686-A-G. GRCh37 (hg19) VCF-style: chr15-40491887-A-G.
Other names: short protein forms K454E.
Identifiers: ClinVar variation 1770825 (VCV001770825.2), dbSNP rs2542554916, ClinGen allele CA391689005.
Genomic context (GRCh38, chr15:40,199,686, plus strand): 5'-ACCAGTGCAGAGAAGAGAGCAGAAATGCAGAAACAGATTGAAGAGATGGAGAAGAAGCTA[A>G]AAGAAATCCAAACTACTCAGCAAGAAAGAACAGGTGATCAGGTAATTTTTCTTTTTTCAT-3'
Protein context (NP_001202.5, residues 444-464): KQIEEMEKKL[Lys454Glu]EIQTTQQERT

ClinVar aggregate classification (germline): Uncertain significance (1 of 4 stars; one submission).

Conditions:
Inborn genetic diseases. Identifiers: MedGen C0950123, MeSH D030342.

Submission:

Ambry Genetics
Classification: Uncertain significance for Inborn genetic diseases. Last evaluated: 2022-07-19. Review status: criteria provided, single submitter. Criteria: Ambry Variant Classification Scheme 2023. Collection method: clinical testing. Allele origin: germline.
Comment: The p.K454E variant (also known as c.1360A>G), located in coding exon 10 of the BUB1B gene, results from an A to G substitution at nucleotide position 1360. The lysine at codon 454 is replaced by glutamic acid, an amino acid with similar properties. This amino acid position is conserved. In addition, the in silico prediction for this alteration is inconclusive. Since supporting evidence is limited at this time, the clinical significance of this alteration remains unclear.